The following is an entry in ClinVar:

ClinVar aggregate classification (germline): Likely benign. Review status: criteria provided, multiple submitters, no conflicts (2 of 4 stars). 3 submissions from 3 submitters: Likely benign (3). Last evaluated 2026-06-01.

Allele frequency attached by ClinVar (database versions not stated): 1000 Genomes Project 0.00020; 1000 Genomes Project 30x 0.00078; TOPMed 0.00215; ExAC 0.00217; gnomAD exomes 0.00221 and 0.00304; gnomAD 0.00237 and 0.00250; ESP Exome Variant Server 0.00267.
gnomAD v4.1: 4,747 of 1,613,994 alleles (0.29%); highest among the groups gnomAD compares: Non-Finnish European, 0.35%; 9 homozygotes.

Submissions (3):

CeGaT Center for Human Genetics Tuebingen
Classification: Likely benign. Last evaluated: 2026-06-01. Review status: criteria provided, single submitter. Criteria: CeGaT Center For Human Genetics Tuebingen Variant Classification Criteria Version 2. Collection method: clinical testing. Allele origin: germline. Affected: yes. Observed: 1 variant allele.
Comment: MGA: BP4

Labcorp Genetics (formerly Invitae), Labcorp
Classification: Likely benign. Last evaluated: 2018-05-12. Review status: criteria provided, single submitter. Criteria: Invitae Variant Classification Sherloc (09022015). Collection method: clinical testing. Allele origin: germline.

Breakthrough Genomics
Classification: Likely benign. Review status: criteria provided, single submitter. Criteria: ACMG Guidelines, 2015. Collection method: not provided. Allele origin: germline. Inheritance: Unknown mechanism. Affected: yes.

NM_001400225.1(MGA):c.8825A>C (p.Glu2942Ala)

Gene: MGA (MAX dimerization protein MGA; plus strand). Cytogenetic location: 15q15.1.
Variant type: single nucleotide variant.
Coding change: c.8825A>C on transcript NM_001400225.1 (MANE Select); coding-DNA position 8825, A replaced by C.
Protein change: p.Glu2942Ala; replaces glutamic acid 2942 with alanine.
Molecular consequence: missense variant.
Genome position (GRCh38, 1-based): chr15:41,766,760, A>C. VCF-style: chr15-41766760-A-C. GRCh37 (hg19) VCF-style: chr15-42058958-A-C.
Other names: c.8051A>C, p.Glu2684Ala (NM_001080541.3); c.8678A>C, p.Glu2893Ala (NM_001164273.2); c.5774A>C, p.Glu1925Ala (NM_001400242.1); short protein forms E2684A, E2893A, E1925A, E2942A.
Identifiers: ClinVar variation 715863 (VCV000715863.6), dbSNP rs199779997, ClinGen allele CA7497279.
Genomic context (GRCh38, chr15:41,766,760, plus strand): 5'-CAACTTTCCAGGTTGAGCACTTGGGAACTGGTTTGAAAGAGTTGCCTGATGTTCAAGGGG[A>C]GAGTGACTCTATCAGTCCCCTCCTCTTGCACTTGGAAGACGATGACTTTTCTGAGAATGA-3'
Protein context (NP_001387154.1, residues 2932-2952): GLKELPDVQG[Glu2942Ala]SDSISPLLLH